The following is an entry in ClinVar:

NM_004998.4(MYO1E):c.1239G>A (p.Gln413=)

Gene: MYO1E (myosin IE; minus strand). Cytogenetic location: 15q22.2.
Variant type: single nucleotide variant.
Coding change: c.1239G>A on transcript NM_004998.4 (MANE Select); coding-DNA position 1239, G replaced by A.
Protein change: p.Gln413=; no amino-acid change (glutamine 413 retained).
Molecular consequence: synonymous variant.
Genome position (GRCh38, 1-based): chr15:59,214,264, C>T on the plus strand (G>A on the coding strand, the complement: MYO1E is on the minus strand). VCF-style: chr15-59214264-C-T. GRCh37 (hg19) VCF-style: chr15-59506463-C-T.
Identifiers: ClinVar variation 727632 (VCV000727632.12), dbSNP rs186544268, ClinGen allele CA7590005.
Genomic context (GRCh38, chr15:59,214,264, plus strand): 5'-GATGAAGGAAGAGGGACTGCTTACCTGTTCTGCCTTTAATGTCAGTTCAATAAAAATCTG[C>T]TGCAGTTTTTCATTAACAAAATTGATACAAAACTGTTCAAAGCCATTTTTCTGGAAAAAA-3'
Protein context (NP_004989.2, residues 403-423): FCINFVNEKL[Gln413=]QIFIELTLKA

ClinVar aggregate classification (germline): Likely benign. Review status: criteria provided, multiple submitters, no conflicts (2 of 4 stars). 3 submissions from 3 submitters: Likely benign (2). 1 of the submissions does not count toward it. Last evaluated 2025-04-17.

Conditions:
MYO1E-related disorder. Also called: MYO1E-related condition.

Allele frequency attached by ClinVar (database versions not stated): gnomAD exomes 0.00013 and 0.00021; gnomAD 0.00014 and 0.00018; ExAC 0.00015; ESP Exome Variant Server 0.00015; 1000 Genomes Project 0.00020; TOPMed 0.00023; 1000 Genomes Project 30x 0.00031.
gnomAD v4.1: 325 of 1,613,286 alleles (0.02%); highest among the groups gnomAD compares: Non-Finnish European, 0.025%; no homozygotes.

Submissions (3):

Labcorp Genetics (formerly Invitae), Labcorp
Classification: Likely benign. Last evaluated: 2025-04-17. Review status: criteria provided, single submitter. Criteria: Invitae Variant Classification Sherloc (09022015). Collection method: clinical testing. Allele origin: germline.

Breakthrough Genomics
Classification: Likely benign. Review status: criteria provided, single submitter. Criteria: ACMG Guidelines, 2015. Collection method: not provided. Allele origin: germline. Inheritance: Autosomal recessive inheritance. Affected: yes.

PreventionGenetics, part of Exact Sciences
Classification: Likely benign for MYO1E-related condition. Last evaluated: 2020-10-27. Review status: no assertion criteria provided. Collection method: clinical testing. Allele origin: germline. Not counted in ClinVar's aggregate classification.
Comment: This variant is classified as likely benign based on ACMG/AMP sequence variant interpretation guidelines (Richards et al. 2015 PMID: 25741868, with internal and published modifications).